The following is an entry in ClinVar:

NM_006231.4(POLE):c.4168C>T (p.Arg1390Cys)

Gene: POLE (DNA polymerase epsilon, catalytic subunit; minus strand). Cytogenetic location: 12q24.33.
Variant type: single nucleotide variant.
Coding change: c.4168C>T on transcript NM_006231.4 (MANE Select); coding-DNA position 4168, C replaced by T.
Protein change: p.Arg1390Cys; replaces arginine 1390 with cysteine.
Molecular consequence: missense variant.
Genome position (GRCh38, 1-based): chr12:132,643,959, G>A on the plus strand (C>T on the coding strand, the complement: POLE is on the minus strand). VCF-style: chr12-132643959-G-A. GRCh37 (hg19) VCF-style: chr12-133220545-G-A.
Other names: short protein forms R1390C.
Identifiers: ClinVar variation 246319 (VCV000246319.24), dbSNP rs768504121, ClinGen allele CA6892958.

ClinVar aggregate classification (germline): Uncertain significance. Review status: criteria provided, multiple submitters, no conflicts (2 of 4 stars). 9 submissions from 9 submitters: Uncertain significance (9). Last evaluated 2026-01-05.

Conditions:
Hereditary cancer-predisposing syndrome. Also called: Hereditary Cancer Syndrome; Neoplastic Syndromes, Hereditary; Hereditary neoplastic syndrome; Tumor predisposition. Identifiers: Orphanet 140162, MedGen C0027672, MeSH D009386, MONDO:0015356.
Intrauterine growth retardation, metaphyseal dysplasia, adrenal hypoplasia congenita, genital anomalies, and immunodeficiency. Also called: IMAGEI SYNDROME. Identifiers: MedGen C5193036, MONDO:0032684, OMIM 618336.
Colorectal cancer, susceptibility to, 12 (CRCS12). Also called: COLORECTAL CANCER, SUSCEPTIBILITY TO, ON CHROMOSOME 12q24. Identifiers: Orphanet 220460, MedGen C3554460, MONDO:0014038, OMIM 615083.
Facial dysmorphism-immunodeficiency-livedo-short stature syndrome. Also called: FILS syndrome; Facial dysmorphism, immunodeficiency, livedo, and short stature. Identifiers: Orphanet 352712, MedGen C3554576, MONDO:0014058, OMIM 615139.
POLD1-related polyposis and colorectal cancer syndrome (CRCS10). Also called: COLORECTAL CANCER, SUSCEPTIBILITY TO, ON CHROMOSOME 19q; Colorectal cancer 10; Colorectal cancer, susceptibility to, 10. Identifiers: Orphanet 220460, MedGen C2675481, MONDO:0012953, OMIM 612591.
POLE-related disorder. Also called: POLE-related disorders; POLE-related condition.

Allele frequency attached by ClinVar (database versions not stated): ExAC 0.00002; gnomAD exomes 0.00003 and 0.00007; TOPMed 0.00006; gnomAD 0.00007 and 0.00008.
gnomAD v4.1: 127 of 1,613,364 alleles (0.0079%); highest among the groups gnomAD compares: Middle Eastern, 0.016%; no homozygotes.

Submissions (9):

Labcorp Genetics (formerly Invitae), Labcorp
Classification: Uncertain significance. Last evaluated: 2026-01-05. Review status: criteria provided, single submitter. Criteria: Invitae Variant Classification Sherloc (09022015). Collection method: clinical testing. Allele origin: germline.
Comment: This sequence change replaces arginine, which is basic and polar, with cysteine, which is neutral and slightly polar, at codon 1390 of the POLE protein (p.Arg1390Cys). This variant is present in population databases (rs768504121, gnomAD 0.006%). This missense change has been observed in individual(s) with colorectal cancer (PMID: 28195393). ClinVar contains an entry for this variant (Variation ID: 246319). Invitae Evidence Modeling of protein sequence and biophysical properties (such as structural, functional, and spatial information, amino acid conservation, physicochemical variation, residue mobility, and thermodynamic stability) indicates that this missense variant is expected to disrupt POLE protein function with a positive predictive value of 80%. In summary, the available evidence is currently insufficient to determine the role of this variant in disease. Therefore, it has been classified as a Variant of Uncertain Significance.

PreventionGenetics, part of Exact Sciences
Classification: Uncertain significance for POLE-related condition. Last evaluated: 2025-08-30. Review status: criteria provided, single submitter. Criteria: ACMG Guidelines, 2015. Collection method: clinical testing. Allele origin: germline.
Comment: The POLE c.4168C>T variant is predicted to result in the amino acid substitution p.Arg1390Cys. This variant has been reported in an individual with colorectal cancer (Table 3, Hansen et al. 2018. PubMed ID: 28195393). This variant is reported in 0.0054% of alleles in individuals of European (Non-Finnish) descent in gnomAD. This variant is interpreted as uncertain in ClinVar (Variation ID: 246319). At this time, the clinical significance of this variant is uncertain due to the absence of conclusive functional and genetic evidence.

GeneDx
Classification: Uncertain significance. Last evaluated: 2024-12-17. Review status: criteria provided, single submitter. Criteria: GeneDx Variant Classification Process June 2021. Collection method: clinical testing. Allele origin: germline. Affected: yes.
Comment: Observed in an individual with familial colorectal cancer (PMID: 28195393); In silico analysis supports that this missense variant has a deleterious effect on protein structure/function; This variant is associated with the following publications: (PMID: 28195393)

Ambry Genetics
Classification: Uncertain significance for Hereditary cancer-predisposing syndrome. Last evaluated: 2024-12-08. Review status: criteria provided, single submitter. Criteria: Ambry Variant Classification Scheme 2023. Collection method: clinical testing. Allele origin: germline.
Comment: The p.R1390C variant (also known as c.4168C>T), located in coding exon 33 of the POLE gene, results from a C to T substitution at nucleotide position 4168. The arginine at codon 1390 is replaced by cysteine, an amino acid with highly dissimilar properties. This amino acid position is highly conserved in available vertebrate species. In addition, this alteration is predicted to be deleterious by in silico analysis. Based on the available evidence, the clinical significance of this variant remains unclear.

Molecular Pathology, Peter Maccallum Cancer Centre
Classification: Uncertain significance for POLD1-related polyposis and colorectal cancer syndrome. Last evaluated: 2024-03-22. Review status: criteria provided, single submitter. Criteria: ACMG Guidelines, 2015. Collection method: clinical testing. Allele origin: germline. Inheritance: Autosomal dominant inheritance.

Fulgent Genetics
Classification: Uncertain significance for Colorectal cancer, susceptibility to, 12; Facial dysmorphism-immunodeficiency-livedo-short stature syndrome; Intrauterine growth retardation, metaphyseal dysplasia, adrenal hypoplasia congenita, genital anomalies, and immunodeficiency. Last evaluated: 2024-02-02. Review status: criteria provided, single submitter. Criteria: ACMG Guidelines, 2015. Collection method: clinical testing. Allele origin: germline.

Clinical Genetics Laboratory, Skane University Hospital Lund
Classification: Uncertain significance. Last evaluated: 2024-01-05. Review status: criteria provided, single submitter. Criteria: ACMG Guidelines, 2015. Collection method: clinical testing. Allele origin: germline. Affected: yes.

Department of Pathology and Laboratory Medicine, Sinai Health System
Classification: Uncertain significance for Colorectal cancer, susceptibility to, 12; Facial dysmorphism-immunodeficiency-livedo-short stature syndrome; Intrauterine growth retardation, metaphyseal dysplasia, adrenal hypoplasia congenita, genital anomalies, and immunodeficiency. Last evaluated: 2023-11-15. Review status: criteria provided, single submitter. Criteria: ACMG Guidelines, 2015. Collection method: clinical testing. Allele origin: germline. Affected: yes.

Quest Diagnostics Nichols Institute San Juan Capistrano
Classification: Uncertain significance. Last evaluated: 2019-10-30. Review status: criteria provided, single submitter. Criteria: Quest Diagnostics criteria. Collection method: clinical testing. Allele origin: unknown.

Literature cited by the submitters: PubMed 28195393 (cited by 3 submitters).